The following is an entry in ClinVar:

NM_001844.5(COL2A1):c.3121G>A (p.Gly1041Ser)

Gene: COL2A1 (collagen type II alpha 1 chain; minus strand). Cytogenetic location: 12q13.11.
Variant type: single nucleotide variant.
Coding change: c.3121G>A on transcript NM_001844.5 (MANE Select); coding-DNA position 3121, G replaced by A.
Protein change: p.Gly1041Ser; replaces glycine 1041 with serine.
Molecular consequence: missense variant.
Genome position (GRCh38, 1-based): chr12:47,977,644, C>T on the plus strand (G>A on the coding strand, the complement: COL2A1 is on the minus strand). VCF-style: chr12-47977644-C-T. GRCh37 (hg19) VCF-style: chr12-48371427-C-T.
Other names: c.2914G>A, p.Gly972Ser (NM_033150.3); short protein forms G1041S, G972S.
Identifiers: ClinVar variation 1224342 (VCV001224342.43), dbSNP rs2136522964, ClinGen allele CA384540581.

ClinVar aggregate classification (germline): Pathogenic. Review status: criteria provided, multiple submitters, no conflicts (2 of 4 stars). 10 submissions from 10 submitters: Pathogenic (10). Last evaluated 2025-06-29.

Conditions:
COL2A1-related disorder. Also called: COL2A1-related condition; COL2A1-related disorders.
Achondrogenesis type II (ACG2). Also called: ACHONDROGENESIS, LANGER-SALDINO TYPE; CHONDROGENESIS IMPERFECTA. Identifiers: Orphanet 932, Orphanet 93296, MedGen C0220685, MONDO:0008702, OMIM 200610.
Type 2 collagenopathy. Identifiers: Orphanet 93421, MedGen C2931073, MONDO:0022800.
Spondyloperipheral dysplasia. Also called: SPONDYLOPERIPHERAL DYSPLASIA WITH SHORT ULNA; Spondyloperipheral dysplasia-short ulna syndrome. Identifiers: Orphanet 1856, MedGen C0796173, MONDO:0010078, OMIM 271700.
Legg-Calve-Perthes disease. Also called: PERTHES DISEASE; Avascular necrosis of the capital femoral epiphysis; Osteochondritis deformans; Coxa plana. Identifiers: Orphanet 2380, MedGen C1442965, MONDO:0007885, OMIM 150600, HP:0005743.
Kniest dysplasia. Identifiers: Orphanet 485, MedGen C0265279, MONDO:0007987, OMIM 156550.
Vitreoretinopathy with phalangeal epiphyseal dysplasia (VPED). Identifiers: MedGen C1852989, MONDO:0031001, OMIM 619248.
Spondyloepiphyseal dysplasia, Stanescu type. Also called: SED, STANESCU TYPE; SPONDYLOEPIMETAPHYSEAL DYSPLASIA, STANESCU TYPE. Identifiers: Orphanet 459051, MedGen C4225273, MONDO:0014701, OMIM 616583.
Namaqualand hip dysplasia (OSCDP). Also called: Mild spondyloepiphyseal dysplasia due to COL2A1 mutation with early-onset osteoarthritis. Identifiers: Orphanet 93279, MedGen C0432214, MONDO:0011496, OMIM 604864.
Stickler syndrome type 1 (STL1). Also called: STICKLER SYNDROME, MEMBRANOUS VITREOUS TYPE; STICKLER SYNDROME, VITREOUS TYPE 1; ARTHROOPHTHALMOPATHY, HEREDITARY PROGRESSIVE; COL2A1-Related Stickler Syndrome. Identifiers: Orphanet 828, Orphanet 90653, MedGen C2020284, MONDO:0007160, OMIM 108300.
Stickler syndrome, type I, nonsyndromic ocular. Also called: STICKLER SYNDROME, TYPE I, PREDOMINANTLY OCULAR; STICKLER SYNDROME, ATYPICAL. Identifiers: MedGen C1836080, MONDO:0012287, OMIM 609508.
Avascular necrosis of femoral head, primary, 1 (ANFH1). Also called: Avascular necrosis of femoral head, primary. Identifiers: Orphanet 86820, MedGen C4551562, MONDO:0054550, OMIM 608805.
Platyspondylic dysplasia, Torrance type (PLSDT). Identifiers: Orphanet 85166, MedGen C1835437, MONDO:0007895, OMIM 151210.
Spondyloepiphyseal dysplasia congenita (SEDC). Also called: SED CONGENITA; SPONDYLOEPIPHYSEAL DYSPLASIA, CONGENITAL TYPE. Identifiers: Orphanet 94068, MedGen C2745959, MONDO:0008471, OMIM 183900.
Multiple epiphyseal dysplasia, Beighton type. Identifiers: Orphanet 166011, MedGen C1851536, MONDO:0007562, OMIM 132450.
Spondyloepiphyseal dysplasia with metatarsal shortening. Also called: Pseudorheumatoid dysplasia progressive, with hypoplastic toes; CZECH DYSPLASIA, METATARSAL TYPE; SPONDYLOEPIPHYSEAL DYSPLASIA WITH PRECOCIOUS OSTEOARTHRITIS. Identifiers: Orphanet 137678, MedGen C1836683, MONDO:0012206, OMIM 609162.
Spondyloepimetaphyseal dysplasia, Strudwick type (SEMDSTWK). Also called: STRUDWICK SYNDROME; DAPPLED METAPHYSIS SYNDROME. Identifiers: Orphanet 93346, MedGen C0700635, MONDO:0008476, OMIM 184250.

Submissions 1 to 7 of 10:

Labcorp Genetics (formerly Invitae), Labcorp
Classification: Pathogenic. Last evaluated: 2025-06-29. Review status: criteria provided, single submitter. Criteria: Invitae Variant Classification Sherloc (09022015). Collection method: clinical testing. Allele origin: germline.
Comment: This sequence change replaces glycine, which is neutral and non-polar, with serine, which is neutral and polar, at codon 1041 of the COL2A1 protein (p.Gly1041Ser). This variant is not present in population databases (gnomAD no frequency). This missense change has been observed in individual(s) with spondyloepiphyseal dysplasia congenita (PMID: 17347327, 30792901). In at least one individual the variant was observed to be de novo. ClinVar contains an entry for this variant (Variation ID: 1224342). Invitae Evidence Modeling of protein sequence and biophysical properties (such as structural, functional, and spatial information, amino acid conservation, physicochemical variation, residue mobility, and thermodynamic stability) indicates that this missense variant is expected to disrupt COL2A1 protein function with a positive predictive value of 95%. This variant disrupts the triple helix domain of COL2A1. Glycine residues within the Gly-Xaa-Yaa repeats of the triple helix domain are required for the structure and stability of fibrillar collagens (PMID: 7695699, 8218237, 19344236). In COL2A1, variants affecting these glycine residues are significantly enriched in individuals with disease (PMID: 9016532, 17078022) compared to the general population (ExAC). For these reasons, this variant has been classified as Pathogenic.

3billion
Classification: Pathogenic for Spondyloperipheral dysplasia. Last evaluated: 2023-08-22. Review status: criteria provided, single submitter. Criteria: ACMG Guidelines, 2015. Collection method: clinical testing. Allele origin: germline. Affected: yes.
Comment: The variant is not observed in the gnomAD v2.1.1 dataset. Predicted Consequence/Location: Missense changes are a common disease-causing mechanism. In silico tool predictions suggest damaging effect of the variant on gene or gene product [REVEL: 0.99 (>=0.6, sensitivity 0.68 and specificity 0.92); 3Cnet: 1.00 (>=0.6, sensitivity 0.72 and precision 0.9)]. Same nucleotide change resulting in same amino acid change has been previously reported as pathogenic/likely pathogenic with strong evidence (ClinVar ID: VCV001224342 /PMID: 17347327). Therefore, this variant is classified as Pathogenic according to the recommendation of ACMG/AMP guideline.

Women's Health and Genetics/Laboratory Corporation of America, LabCorp
Classification: Pathogenic for Achondrogenesis type II. Last evaluated: 2023-07-12. Review status: criteria provided, single submitter. Criteria: LabCorp Variant Classification Summary - May 2015. Collection method: clinical testing. Allele origin: germline.
Comment: Variant summary: COL2A1 c.3121G>A (p.Gly1041Ser) results in a non-conservative amino acid change to a highly conserved residue (HGMD) in the encoded protein sequence. Five of five in-silico tools predict a damaging effect of the variant on protein function. The variant was absent in 250876 control chromosomes (gnomAD). c.3121G>A has been reported in the literature in multiple individuals affected with Spondyloepimetaphyseal dysplasia (Meredith_2007, Zhang_2015, Diderich_2021, Huang_2018, Scocchia_2019, Tsai_2021), and in some was reported as a de novo occurrence. These data indicate that the variant is very likely to be associated with disease. To our knowledge, no experimental evidence demonstrating an impact on protein function has been reported. The following publications have been ascertained in the context of this evaluation (PMID: 17347327, 26377240, 33249554, 30138938, 30792901, 34394176). Three submitters have cited clinical-significance assessments for this variant to ClinVar after 2014. All submitters classified the variant as pathogenic. Based on the evidence outlined above, the variant was classified as pathogenic.

CeGaT Center for Human Genetics Tuebingen
Classification: Pathogenic. Last evaluated: 2023-04-01. Review status: criteria provided, single submitter. Criteria: CeGaT Center For Human Genetics Tuebingen Variant Classification Criteria Version 2. Collection method: clinical testing. Allele origin: germline. Affected: yes. Observed: 1 variant allele.
Comment: COL2A1: PM1, PM2, PS4:Moderate, PP2, PP3, PP4, PS2:Supporting

ARUP Laboratories, Molecular Genetics and Genomics, ARUP Laboratories
Classification: Pathogenic. Last evaluated: 2023-03-22. Review status: criteria provided, single submitter. Criteria: ARUP Molecular Germline Variant Investigation Process 2024. Collection method: clinical testing. Allele origin: germline.
Comment: The COL2A1 c.3121G>A; p.Gly1041Ser variant has been reported in the literature in several individuals diagnosed with skeletal dysplasia and is reported to occur de novo (Huang 2018, Meredith 2007, Scocchia 2019, Yamamoto 2020). The variant is reported as pathogenic in the ClinVar database (Variation ID: 1224342) but is absent from general population databases (Exome Variant Server, Genome Aggregation Database), indicating it is not a common polymorphism. The glycine at codon 1041 is highly conserved, and computational analyses predict that this variant is deleterious (REVEL: 0.993). Additionally, this variant disrupts the repeating Gly-X-Y sequence motif of the collagen triple helix and is predicted to impair collagen function (Barat-Houari 2016). Based on available information, this variant is classified as pathogenic. References: Barat-Houari M et al. Mutation Update for COL2A1 Gene Variants Associated with Type II Collagenopathies. Hum Mutat. 2016 Jan;37(1):7-15. PMID: 26443184. Huang Z et al. Genetic Evaluation of 114 Chinese Short Stature Children in the Next Generation Era: a Single Center Study. Cell Physiol Biochem. 2018;49(1):295-305. PMID: 30138938. Meredith SP et al. Significant ocular findings are a feature of heritable bone dysplasias resulting from defects in type II collagen. Br J Ophthalmol. 2007 Sep;91(9):1148-51. PubMed: 17347327. Scocchia A et al. Clinical whole genome sequencing as a first-tier test at a resource-limited dysmorphology clinic in Mexico. NPJ Genom Med. 2019 Feb 14;4:5. PMID: 30792901. Yamamoto K et al. Parental somatogonadal COL2A1 mosaicism contributes to intrafamilial recurrence in a family with type 2 collagenopathy. Am J Med Genet A. 2020 Mar;182(3):454-460. PMID: 31854518.

GeneDx
Classification: Pathogenic. Last evaluated: 2022-06-15. Review status: criteria provided, single submitter. Criteria: GeneDx Variant Classification Process June 2021. Collection method: clinical testing. Allele origin: germline. Affected: yes.
Comment: Occurs in the triple helical domain and replaces a glycine in a canonical Gly-X-Y repeat; missense substitution of a canonical glycine residue is expected to disrupt normal protein folding and function, and this is an established mechanism of disease (Jovanovic et al., 2021); Not observed at significant frequency in large population cohorts (gnomAD); In silico analysis supports that this missense variant has a deleterious effect on protein structure/function; This variant is associated with the following publications: (PMID: 31854518, 17347327, 30138938, 30792901)

Blueprint Genetics
Classification: Pathogenic for COL2A1-related disorders. Last evaluated: 2021-10-28. Review status: criteria provided, single submitter. Criteria: ACMG Guidelines, 2015. Collection method: clinical testing. Allele origin: germline. Affected: yes. Observed: 3 variant alleles.